The following is an entry in ClinVar:

ClinVar aggregate classification (germline): Likely pathogenic. Review status: criteria provided, multiple submitters, no conflicts (2 of 4 stars). 2 submissions from 2 submitters: Likely pathogenic (2). Last evaluated 2024-11-12.

Conditions:
Retinitis pigmentosa 20 (RP20). Identifiers: Orphanet 791, MedGen C3151086, MONDO:0013425, OMIM 613794.
Leber congenital amaurosis 2 (LCA2). Also called: AMAUROSIS CONGENITA OF LEBER II; Autosomal Recessive RPE65-Related Retinal Degeneration. Identifiers: Orphanet 65, MedGen C1859844, MONDO:0008765, OMIM 204100. Disease mechanism: loss of function.
Retinal dystrophy. Also called: Inherited retinal dystrophy. Identifiers: Orphanet 71862, MedGen C0854723, MeSH D058499, MONDO:0019118, HP:0000556.

Submissions (2):

Labcorp Genetics (formerly Invitae), Labcorp
Classification: Likely pathogenic for Leber congenital amaurosis 2; Retinitis pigmentosa 20. Last evaluated: 2024-11-12. Review status: criteria provided, single submitter. Criteria: Invitae Variant Classification Sherloc (09022015). Collection method: clinical testing. Allele origin: germline.
Comment: This sequence change replaces leucine, which is neutral and non-polar, with isoleucine, which is neutral and non-polar, at codon 341 of the RPE65 protein (p.Leu341Ile). This variant is not present in population databases (gnomAD no frequency). This variant has not been reported in the literature in individuals affected with RPE65-related conditions. Invitae Evidence Modeling of protein sequence and biophysical properties (such as structural, functional, and spatial information, amino acid conservation, physicochemical variation, residue mobility, and thermodynamic stability) indicates that this missense variant is expected to disrupt RPE65 protein function with a positive predictive value of 95%. This variant disrupts the p.Leu341 amino acid residue in RPE65. Other variant(s) that disrupt this residue have been determined to be pathogenic (PMID: 9501220, 18539930, 19854499, 20079931). This suggests that this residue is clinically significant, and that variants that disrupt this residue are likely to be disease-causing. In summary, the currently available evidence indicates that the variant is pathogenic, but additional data are needed to prove that conclusively. Therefore, this variant has been classified as Likely Pathogenic.

Ophthalmic Genetics Group, Institute of Molecular and Clinical Ophthalmology Basel
Classification: Likely pathogenic for Retinal dystrophy. Last evaluated: 2024-05-27. Review status: criteria provided, single submitter. Criteria: ACMG Guidelines, 2015. Collection method: research. Allele origin: germline. Affected: yes. Observed: 1 variant allele.
Comment: This variant was classified as Likely pathogenic based on ACMG criteria: PM1_sup, PM2_sup, PM5_mod, PP2_sup, and PP3_sup

Literature cited by the submitters: PubMed 9501220 (cited by Labcorp Genetics (formerly Invitae), Labcorp); PubMed 18539930 (cited by Labcorp Genetics (formerly Invitae), Labcorp); PubMed 19854499 (cited by Labcorp Genetics (formerly Invitae), Labcorp); PubMed 20079931 (cited by Labcorp Genetics (formerly Invitae), Labcorp); PubMed 40180963 (cited by Ophthalmic Genetics Group, Institute of Molecular and Clinical Ophthalmology Basel).

NM_000329.3(RPE65):c.1021T>A (p.Leu341Ile)

Gene: RPE65 (retinoid isomerohydrolase RPE65; minus strand). Cytogenetic location: 1p31.3.
Variant type: single nucleotide variant.
Coding change: c.1021T>A on transcript NM_000329.3 (MANE Select); coding-DNA position 1021, T replaced by A.
Protein change: p.Leu341Ile; replaces leucine 341 with isoleucine.
Molecular consequence: missense variant.
Genome position (GRCh38, 1-based): chr1:68,438,294, A>T on the plus strand (T>A on the coding strand, the complement: RPE65 is on the minus strand). VCF-style: chr1-68438294-A-T. GRCh37 (hg19) VCF-style: chr1-68903977-A-T.
Other names: NC_000001.10:g.68903977A>T; NP_000320.1:p.(Leu341Ile); c.913T>A, p.Leu305Ile (NM_001406853.1); c.745T>A, p.Leu249Ile (NM_001406856.1, NM_001406857.1); c.1021T>A, p.Leu341Ile (NM_001406859.1); short protein forms L249I, L305I, L341I.
Identifiers: ClinVar variation 3381772 (VCV003381772.4).